The following is an entry in ClinVar:

ClinVar aggregate classification (germline): Uncertain significance (1 of 4 stars; one submission).

Submission:

Labcorp Genetics (formerly Invitae), Labcorp
Classification: Uncertain significance. Last evaluated: 2023-05-31. Review status: criteria provided, single submitter. Criteria: Invitae Variant Classification Sherloc (09022015). Collection method: clinical testing. Allele origin: germline.
Comment: In summary, the available evidence is currently insufficient to determine the role of this variant in disease. Therefore, it has been classified as a Variant of Uncertain Significance. Experimental studies and prediction algorithms are not available or were not evaluated, and the functional significance of this variant is currently unknown. This variant has not been reported in the literature in individuals affected with ERBB2-related conditions. A copy number gain of the genomic region encompassing the full coding sequence of the ERBB2 gene has been identified. The boundaries of this event are unknown as they extend beyond the assayed region for this gene and therefore may encompass additional genes. As the precise location of this event is unknown, it may be in tandem or it may be located elsewhere in the genome.

NC_000017.10:g.(?_37856492)_(37884297_?)dup

Gene: ERBB2 (erb-b2 receptor tyrosine kinase 2; plus strand). Cytogenetic location: 17q12.
Variant type: Duplication.
Identifiers: ClinVar variation 1047031 (VCV001047031.3).